The following is an entry in ClinVar:

ClinVar aggregate classification (germline): Likely benign (1 of 4 stars; one submission).

Allele frequency attached by ClinVar (database versions not stated): TOPMed 0.00003; gnomAD 0.00003.
gnomAD v4.1: 44 of 1,546,796 alleles (0.0028%); highest among the groups gnomAD compares: Non-Finnish European, 0.0037%; no homozygotes.

Submission:

Laboratory for Molecular Medicine, Mass General Brigham Personalized Medicine
Classification: Likely benign. Last evaluated: 2015-08-06. Review status: criteria provided, single submitter. Criteria: LMM Criteria. Collection method: clinical testing. Allele origin: germline. Observed: 1 variant allele.
Comment: p.Pro2085Pro in exon 36 of OTOG: This variant is not expected to have clinical s ignificance because it does not alter an amino acid residue and is not located w ithin the splice consensus sequence.

NM_001292063.2(OTOG):c.6219C>T (p.Pro2073=)

Gene: OTOG (otogelin; plus strand). Cytogenetic location: 11p15.1.
Variant type: single nucleotide variant.
Coding change: c.6219C>T on transcript NM_001292063.2 (MANE Select); coding-DNA position 6219, C replaced by T.
Protein change: p.Pro2073=; no amino-acid change (proline 2073 retained).
Molecular consequence: synonymous variant.
Genome position (GRCh38, 1-based): chr11:17,612,257, C>T. VCF-style: chr11-17612257-C-T. GRCh37 (hg19) VCF-style: chr11-17633804-C-T.
Other names: c.6255C>T, p.Pro2085= (NM_001277269.2).
Identifiers: ClinVar variation 227789 (VCV000227789.5), dbSNP rs876657557, ClinGen allele CA10576871.